The following is an entry in ClinVar:

NM_001278431.2(C1QTNF5):c.7C>T (p.Pro3Ser)

Genes: C1QTNF5 (C1q and TNF related 5; minus strand), MFRP (membrane frizzled-related protein; minus strand). Cytogenetic location: 11q23.3.
Variant type: single nucleotide variant.
Coding change: c.7C>T on transcript NM_001278431.2 (MANE Select); coding-DNA position 7, C replaced by T.
Protein change: p.Pro3Ser; replaces proline 3 with serine.
Molecular consequence: missense variant. On other transcripts: 3 prime UTR variant (1).
Genome position (GRCh38, 1-based): chr11:119,340,391, G>A on the plus strand (C>T on the coding strand, the complement: C1QTNF5 is on the minus strand). VCF-style: chr11-119340391-G-A. GRCh37 (hg19) VCF-style: chr11-119211101-G-A.
Other names: c.7C>T, p.Pro3Ser (NM_015645.5); c.*903C>T (NM_031433.4); short protein forms P3S.
Identifiers: ClinVar variation 1347293 (VCV001347293.8), dbSNP rs966935571, ClinGen allele CA382971170.

ClinVar aggregate classification (germline): Uncertain significance (1 of 4 stars; one submission).

Submission:

Labcorp Genetics (formerly Invitae), Labcorp
Classification: Uncertain significance. Last evaluated: 2022-02-05. Review status: criteria provided, single submitter. Criteria: Invitae Variant Classification Sherloc (09022015). Collection method: clinical testing. Allele origin: germline.
Comment: This variant has not been reported in the literature in individuals affected with C1QTNF5-related conditions. In summary, the available evidence is currently insufficient to determine the role of this variant in disease. Therefore, it has been classified as a Variant of Uncertain Significance. Algorithms developed to predict the effect of sequence changes on RNA splicing suggest that this variant may create or strengthen a splice site. Algorithms developed to predict the effect of missense changes on protein structure and function are either unavailable or do not agree on the potential impact of this missense change (SIFT: "Tolerated"; PolyPhen-2: "Not Available"; Align-GVGD: "Class C0"). This variant is not present in population databases (gnomAD no frequency). This sequence change replaces proline, which is neutral and non-polar, with serine, which is neutral and polar, at codon 3 of the C1QTNF5 protein (p.Pro3Ser).